The following is an entry in ClinVar:

ClinVar aggregate classification (germline): Uncertain significance (1 of 4 stars; one submission).

gnomAD v4.1: 18 of 1,613,378 alleles (0.0011%); highest among the groups gnomAD compares: African/African-American, 0.02%; no homozygotes.

Submission:

Labcorp Genetics (formerly Invitae), Labcorp
Classification: Uncertain significance. Last evaluated: 2025-12-31. Review status: criteria provided, single submitter. Criteria: Invitae Variant Classification Sherloc (09022015). Collection method: clinical testing. Allele origin: germline.
Comment: This sequence change replaces alanine, which is neutral and non-polar, with threonine, which is neutral and polar, at codon 428 of the CREB3L3 protein (p.Ala428Thr). The frequency data for this variant in the population databases is considered unreliable, as metrics indicate poor data quality at this position in the gnomAD database. This variant has not been reported in the literature in individuals affected with CREB3L3-related conditions. An algorithm developed to predict the effect of missense changes on protein structure and function outputs the following: PolyPhen-2: "Benign". The threonine amino acid residue is found in multiple mammalian species, which suggests that this missense change does not adversely affect protein function. In summary, the available evidence is currently insufficient to determine the role of this variant in disease. Therefore, it has been classified as a Variant of Uncertain Significance.

NM_032607.3(CREB3L3):c.1282G>A (p.Ala428Thr)

Genes: CREB3L3 (cAMP responsive element binding protein 3 like 3; plus strand), LOC125371455 (Sharpr-MPRA regulatory region 11650; plus strand). Cytogenetic location: 19p13.3.
Variant type: single nucleotide variant.
Coding change: c.1282G>A on transcript NM_032607.3 (MANE Select); coding-DNA position 1282, G replaced by A.
Protein change: p.Ala428Thr; replaces alanine 428 with threonine.
Molecular consequence: missense variant. On other transcripts: 3 prime UTR variant (1).
Genome position (GRCh38, 1-based): chr19:4,171,865, G>A. VCF-style: chr19-4171865-G-A. GRCh37 (hg19) VCF-style: chr19-4171862-G-A.
Other names: c.1279G>A, p.Ala427Thr (NM_001271995.2); c.1276G>A, p.Ala426Thr (NM_001271996.2); c.*161G>A (NM_001271997.2); short protein forms A427T, A426T, A428T.
Identifiers: ClinVar variation 4706993 (VCV004706993.1).